The following is an entry in ClinVar:

NM_058216.3(RAD51C):c.896C>G (p.Pro299Arg)

Gene: RAD51C (RAD51 paralog C; plus strand). Cytogenetic location: 17q22.
Variant type: single nucleotide variant.
Coding change: c.896C>G on transcript NM_058216.3 (MANE Select); coding-DNA position 896, C replaced by G.
Protein change: p.Pro299Arg; replaces proline 299 with arginine.
Molecular consequence: missense variant. On other transcripts: non-coding transcript variant (1).
Genome position (GRCh38, 1-based): chr17:58,720,804, C>G. VCF-style: chr17-58720804-C-G. GRCh37 (hg19) VCF-style: chr17-56798165-C-G.
Other names: short protein forms P299R.
Identifiers: ClinVar variation 492391 (VCV000492391.7), dbSNP rs878855182, ClinGen allele CA400359784.

ClinVar aggregate classification (germline): Uncertain significance. Review status: criteria provided, multiple submitters, no conflicts (2 of 4 stars). 2 submissions from 2 submitters: Uncertain significance (2). Last evaluated 2025-10-26.

Conditions:
Fanconi anemia complementation group O. Also called: RAD51C-Related Fanconi Anemia. Identifiers: Orphanet 84, MedGen C3150653, MONDO:0013248, OMIM 613390.
Hereditary cancer-predisposing syndrome. Also called: Tumor predisposition; Neoplastic Syndromes, Hereditary; Hereditary Cancer Syndrome; Hereditary neoplastic syndrome. Identifiers: Orphanet 140162, MedGen C0027672, MeSH D009386, MONDO:0015356.

Submissions (2):

Labcorp Genetics (formerly Invitae), Labcorp
Classification: Uncertain significance for Fanconi anemia complementation group O. Last evaluated: 2025-10-26. Review status: criteria provided, single submitter. Criteria: Invitae Variant Classification Sherloc (09022015). Collection method: clinical testing. Allele origin: germline.
Comment: This sequence change replaces proline, which is neutral and non-polar, with arginine, which is basic and polar, at codon 299 of the RAD51C protein (p.Pro299Arg). This variant is not present in population databases (gnomAD no frequency). This variant has not been reported in the literature in individuals affected with RAD51C-related conditions. ClinVar contains an entry for this variant (Variation ID: 492391). Invitae Evidence Modeling of protein sequence and biophysical properties (such as structural, functional, and spatial information, amino acid conservation, physicochemical variation, residue mobility, and thermodynamic stability) indicates that this missense variant is expected to disrupt RAD51C protein function with a positive predictive value of 80%. In summary, the available evidence is currently insufficient to determine the role of this variant in disease. Therefore, it has been classified as a Variant of Uncertain Significance.

Color Diagnostics, LLC DBA Color Health
Classification: Uncertain significance for Hereditary cancer-predisposing syndrome. Last evaluated: 2023-12-05. Review status: criteria provided, single submitter. Criteria: ACMG Guidelines, 2015. Collection method: clinical testing. Allele origin: germline.
Comment: This missense variant replaces proline with arginine at codon 299 of the RAD51C protein. Computational prediction suggests that this variant may have deleterious impact on protein structure and function (internally defined REVEL score threshold >= 0.7, PMID: 27666373). To our knowledge, functional studies have not been reported for this variant. This variant has not been reported in individuals affected with RAD51C-related disorders in the literature. This variant has not been identified in the general population by the Genome Aggregation Database (gnomAD). The available evidence is insufficient to determine the role of this variant in disease conclusively. Therefore, this variant is classified as a Variant of Uncertain Significance.